The following is an entry in ClinVar:

NM_000257.4(MYH7):c.3007C>T (p.His1003Tyr)

Gene: MYH7 (myosin heavy chain 7; minus strand). Cytogenetic location: 14q11.2.
Variant type: single nucleotide variant.
Coding change: c.3007C>T on transcript NM_000257.4 (MANE Select); coding-DNA position 3007, C replaced by T.
Protein change: p.His1003Tyr; replaces histidine 1003 with tyrosine.
Molecular consequence: missense variant.
Genome position (GRCh38, 1-based): chr14:23,423,639, G>A on the plus strand (C>T on the coding strand, the complement: MYH7 is on the minus strand). VCF-style: chr14-23423639-G-A. GRCh37 (hg19) VCF-style: chr14-23892848-G-A.
Other names: c.3007C>T, p.His1003Tyr (NM_001407004.1); short protein forms H1003Y.
Identifiers: ClinVar variation 2583135 (VCV002583135.1), dbSNP rs2502277961, ClinGen allele CA389045922.

ClinVar aggregate classification (germline): Uncertain significance (1 of 4 stars; one submission).

Submission:

Human Genetics Bochum, Ruhr University Bochum
Classification: Uncertain significance. Last evaluated: 2023-03-16. Review status: criteria provided, single submitter. Criteria: ACMG Guidelines, 2015. Collection method: clinical testing. Allele origin: germline. Affected: yes.
Comment: ACMG criteria used to clasify this variant: PP3_MOD, PM2_SUP